The following is an entry in ClinVar:

ClinVar aggregate classification (germline): Uncertain significance (1 of 4 stars; one submission).

Conditions:
Galactosylceramide beta-galactosidase deficiency. Also called: Leukodystrophy, Globoid Cell; Krabbe Disease; GALACTOCEREBROSIDASE DEFICIENCY; GALC DEFICIENCY; GLOBOID CELL LEUKOENCEPHALOPATHY. Identifiers: Orphanet 487, MedGen C0023521, MONDO:0009499, OMIM 245200.

Submission:

Labcorp Genetics (formerly Invitae), Labcorp
Classification: Uncertain significance for Galactosylceramide beta-galactosidase deficiency. Last evaluated: 2025-08-04. Review status: criteria provided, single submitter. Criteria: Invitae Variant Classification Sherloc (09022015). Collection method: clinical testing. Allele origin: germline.
Comment: This sequence change replaces isoleucine, which is neutral and non-polar, with methionine, which is neutral and non-polar, at codon 589 of the GALC protein (p.Ile589Met). This variant is not present in population databases (gnomAD no frequency). This variant has not been reported in the literature in individuals affected with GALC-related conditions. Invitae Evidence Modeling of protein sequence and biophysical properties (such as structural, functional, and spatial information, amino acid conservation, physicochemical variation, residue mobility, and thermodynamic stability) has been performed for this missense variant. However, the output from this modeling did not meet the statistical confidence thresholds required to predict the impact of this variant on GALC protein function. In summary, the available evidence is currently insufficient to determine the role of this variant in disease. Therefore, it has been classified as a Variant of Uncertain Significance.

NM_000153.4(GALC):c.1767T>G (p.Ile589Met)

Gene: GALC (galactosylceramidase; minus strand). Cytogenetic location: 14q31.3.
Variant type: single nucleotide variant.
Coding change: c.1767T>G on transcript NM_000153.4 (MANE Select); coding-DNA position 1767, T replaced by G.
Protein change: p.Ile589Met; replaces isoleucine 589 with methionine.
Molecular consequence: missense variant. On other transcripts: non-coding transcript variant (1).
Genome position (GRCh38, 1-based): chr14:87,941,462, A>C on the plus strand (T>G on the coding strand, the complement: GALC is on the minus strand). VCF-style: chr14-87941462-A-C. GRCh37 (hg19) VCF-style: chr14-88407806-A-C.
Other names: c.1698T>G, p.Ile566Met (NM_001201401.2); c.1689T>G, p.Ile563Met (NM_001201402.2); c.1599T>G, p.Ile533Met (NM_001424071.1, NM_001424072.1, NM_001424073.1); c.1419T>G, p.Ile473Met (NM_001424074.1, NM_001424075.1); c.1134T>G, p.Ile378Met (NM_001424076.1, NM_001424077.1); short protein forms I378M, I533M, I566M, I589M, I473M, I563M.
Identifiers: ClinVar variation 4694483 (VCV004694483.1).
Genomic context (GRCh38, chr14:87,941,462, plus strand): 5'-ACCTGTAACCCTGTAAGATCCATTTGCAAAAATCCAGAAGAAAATTCCTCTGGCACTTCT[A>C]ATCAAAATACCACCTTTATTTACTCTTCCTGCAATGAACACACCTCCTGTGTCAGGGGTC-3'
Protein context (NP_000144.2, residues 579-599): AGRVNKGGIL[Ile589Met]RSARGIFFWI